The following is an entry in ClinVar:

NM_001378454.1(ALMS1):c.320A>G (p.Glu107Gly)

Gene: ALMS1 (ALMS1 centrosome and basal body associated protein; plus strand). Cytogenetic location: 2p13.1.
Variant type: single nucleotide variant.
Coding change: c.320A>G on transcript NM_001378454.1 (MANE Select); coding-DNA position 320, A replaced by G.
Protein change: p.Glu107Gly; replaces glutamic acid 107 with glycine.
Molecular consequence: missense variant.
Genome position (GRCh38, 1-based): chr2:73,386,188, A>G. VCF-style: chr2-73386188-A-G. GRCh37 (hg19) VCF-style: chr2-73613316-A-G.
Other names: c.323A>G, p.Glu108Gly (NM_015120.4); short protein forms E107G, E108G.
Identifiers: ClinVar variation 3350451 (VCV003350451.1).

ClinVar aggregate classification (germline): Uncertain significance (0 of 4 stars; one submission).

Conditions:
ALMS1-related disorder. Also called: ALMS1-related condition.

Submission:

PreventionGenetics, part of Exact Sciences
Classification: Uncertain significance for ALMS1-related condition. Last evaluated: 2024-09-24. Review status: no assertion criteria provided. Collection method: clinical testing. Allele origin: germline.
Comment: The ALMS1 c.323A>G variant is predicted to result in the amino acid substitution p.Lys108Arg. To our knowledge, this variant has not been reported in the literature. This variant is reported in 0.017% of alleles in individuals of Latino descent in gnomAD. At this time, the clinical significance of this variant is uncertain due to the absence of conclusive functional and genetic evidence.